The following is an entry in ClinVar:

ClinVar aggregate classification (germline): Uncertain significance. Review status: criteria provided, multiple submitters, no conflicts (2 of 4 stars). 2 submissions from 2 submitters: Uncertain significance (2). Last evaluated 2026-05-23.

Conditions:
Cardiovascular phenotype. Identifiers: MedGen CN230736.

gnomAD v4.1: 19 of 1,550,244 alleles (0.0012%); highest among the groups gnomAD compares: Non-Finnish European, 0.0016%; no homozygotes.

Submissions (2):

Ambry Genetics
Classification: Uncertain significance for Cardiovascular phenotype. Last evaluated: 2026-05-23. Review status: criteria provided, single submitter. Criteria: Ambry Variant Classification Scheme 2023. Collection method: clinical testing. Allele origin: germline.
Comment: The p.F868L variant (also known as c.2604C>A), located in coding exon 1 of the ZNF469 gene, results from a C to A substitution at nucleotide position 2604. The phenylalanine at codon 868 is replaced by leucine, an amino acid with highly similar properties. This amino acid position is conserved. In addition, this alteration is predicted to be tolerated by in silico analysis. Based on the available evidence, the clinical significance of this variant remains unclear.

Labcorp Genetics (formerly Invitae), Labcorp
Classification: Uncertain significance. Last evaluated: 2024-11-11. Review status: criteria provided, single submitter. Criteria: Invitae Variant Classification Sherloc (09022015). Collection method: clinical testing. Allele origin: germline.
Comment: This sequence change replaces phenylalanine, which is neutral and non-polar, with leucine, which is neutral and non-polar, at codon 868 of the ZNF469 protein (p.Phe868Leu). This variant is not present in population databases (gnomAD no frequency). This variant has not been reported in the literature in individuals affected with ZNF469-related conditions. ClinVar contains an entry for this variant (Variation ID: 1919764). An algorithm developed to predict the effect of missense changes on protein structure and function (PolyPhen-2) suggests that this variant is likely to be disruptive. In summary, the available evidence is currently insufficient to determine the role of this variant in disease. Therefore, it has been classified as a Variant of Uncertain Significance.

NM_001367624.2(ZNF469):c.2604C>A (p.Phe868Leu)

Gene: ZNF469 (zinc finger protein 469; plus strand). Cytogenetic location: 16q24.2.
Variant type: single nucleotide variant.
Coding change: c.2604C>A on transcript NM_001367624.2 (MANE Select); coding-DNA position 2604, C replaced by A.
Protein change: p.Phe868Leu; replaces phenylalanine 868 with leucine.
Molecular consequence: missense variant.
Genome position (GRCh38, 1-based): chr16:88,430,074, C>A. VCF-style: chr16-88430074-C-A. GRCh37 (hg19) VCF-style: chr16-88496482-C-A.
Other names: NM_001127464.1:c.2604C>A; short protein forms F868L.
Identifiers: ClinVar variation 1919764 (VCV001919764.5), dbSNP rs1352497178, ClinGen allele CA397073816.
Genomic context (GRCh38, chr16:88,430,074, plus strand): 5'-CAACGGCATGGAGTACCAGTCGGACAACCCGGAGATCGACAGCAGCTTCATCGACGTCTT[C>A]GCGGACGAGGAGCCTTCCGGCCCCAGAGGTCCCAGCTCCGGACACCCCCTTAAGAGCAAG-3'
Protein context (NP_001354553.1, residues 858-878): PEIDSSFIDV[Phe868Leu]ADEEPSGPRG